The following is an entry in ClinVar:

NM_000038.6(APC):c.7704A>C (p.Gly2568=)

Gene: APC (APC regulator of Wnt signaling pathway; plus strand). Cytogenetic location: 5q22.2.
Variant type: single nucleotide variant.
Coding change: c.7704A>C on transcript NM_000038.6 (MANE Select); coding-DNA position 7704, A replaced by C.
Protein change: p.Gly2568=; no amino-acid change (glycine 2568 retained).
Molecular consequence: synonymous variant.
Genome position (GRCh38, 1-based): chr5:112,843,298, A>C. VCF-style: chr5-112843298-A-C. GRCh37 (hg19) VCF-style: chr5-112178995-A-C.
Other names: c.7704A>C, p.Gly2568= (NM_001127510.3, NM_001354895.2); c.7650A>C, p.Gly2550= (NM_001127511.3); c.7758A>C, p.Gly2586= (NM_001354896.2); c.7734A>C, p.Gly2578= (NM_001354897.2); c.7629A>C, p.Gly2543= (NM_001354898.2); c.7620A>C, p.Gly2540= (NM_001354899.2); c.7581A>C, p.Gly2527= (NM_001354900.2); c.7527A>C, p.Gly2509= (NM_001354901.2); and 5 more.
Identifiers: ClinVar variation 416760 (VCV000416760.11), dbSNP rs35043160, ClinGen allele CA16611676.

ClinVar aggregate classification (germline): Benign/Likely benign. Review status: criteria provided, multiple submitters, no conflicts (2 of 4 stars). 2 submissions from 2 submitters: Benign (1); Likely benign (1). Last evaluated 2025-08-07.

Conditions:
Familial adenomatous polyposis 1 (FAP1). Also called: FAMILIAL ADENOMATOUS POLYPOSIS 1, ATTENUATED; POLYPOSIS, ADENOMATOUS INTESTINAL. Identifiers: MedGen C2713442, MONDO:0021056, OMIM 175100. Disease mechanism: loss of function.

Submissions (2):

Labcorp Genetics (formerly Invitae), Labcorp
Classification: Likely benign for Familial adenomatous polyposis 1. Last evaluated: 2025-08-07. Review status: criteria provided, single submitter. Criteria: Invitae Variant Classification Sherloc (09022015). Collection method: clinical testing. Allele origin: germline.

Myriad Genetics, Inc.
Classification: Benign for Familial adenomatous polyposis 1. Last evaluated: 2024-04-10. Review status: criteria provided, single submitter. Criteria: Myriad Autosomal Dominant, Autosomal Recessive and X-Linked Classification Criteria (2023). Collection method: clinical testing. Allele origin: unknown.
Comment: This variant is considered benign. This variant is a silent/synonymous amino acid change and it is not expected to impact splicing.